The following is an entry in ClinVar:

NM_006237.4(POU4F1):c.753C>T (p.Gly251=)

Genes: OBI1-AS1 (OBI1 antisense RNA 1; plus strand), POU4F1 (POU class 4 homeobox 1; minus strand). Cytogenetic location: 13q31.1.
Variant type: single nucleotide variant.
Coding change: c.753C>T on transcript NM_006237.4 (MANE Select); coding-DNA position 753, C replaced by T.
Protein change: p.Gly251=; no amino-acid change (glycine 251 retained).
Molecular consequence: synonymous variant.
Genome position (GRCh38, 1-based): chr13:78,601,922, G>A on the plus strand (C>T on the coding strand, the complement: POU4F1 is on the minus strand). VCF-style: chr13-78601922-G-A. GRCh37 (hg19) VCF-style: chr13-79176057-G-A.
Identifiers: ClinVar variation 2643866 (VCV002643866.24), dbSNP rs750756634, ClinGen allele CA484489308.

ClinVar aggregate classification (germline): Likely benign (1 of 4 stars; one submission).

Allele frequency attached by ClinVar (database versions not stated): gnomAD 0.00001.
gnomAD v4.1: 4 of 1,294,384 alleles (0.00031%); highest among the groups gnomAD compares: Non-Finnish European, 0.00039%; no homozygotes.

Submission:

CeGaT Center for Human Genetics Tuebingen
Classification: Likely benign. Last evaluated: 2023-02-01. Review status: criteria provided, single submitter. Criteria: CeGaT Center For Human Genetics Tuebingen Variant Classification Criteria Version 2. Collection method: clinical testing. Allele origin: germline. Affected: yes. Observed: 1 variant allele.
Comment: POU4F1: BP4, BP7